The following is an entry in ClinVar:

ClinVar aggregate classification (germline): Conflicting classifications of pathogenicity. Review status: criteria provided, conflicting classifications (1 of 4 stars). 4 submissions from 4 submitters: Uncertain significance (1); Benign (3). Last evaluated 2025-09-07.

Conditions:
Autosomal recessive nonsyndromic hearing loss 35. Identifiers: Orphanet 90636, MedGen C1837857, MONDO:0012060, OMIM 608565.

Allele frequency attached by ClinVar (database versions not stated): ESP Exome Variant Server 0.00015; gnomAD 0.00058 and 0.00078; gnomAD exomes 0.00071 and 0.00159; TOPMed 0.00085; ExAC 0.00172; 1000 Genomes Project 30x 0.00250; 1000 Genomes Project 0.00319.
gnomAD v4.1: 1,160 of 1,614,172 alleles (0.072%); highest among the groups gnomAD compares: East Asian, 1.8%; 19 homozygotes.

Submissions (4):

Labcorp Genetics (formerly Invitae), Labcorp
Classification: Benign. Last evaluated: 2025-09-07. Review status: criteria provided, single submitter. Criteria: Invitae Variant Classification Sherloc (09022015). Collection method: clinical testing. Allele origin: germline.

GeneDx
Classification: Benign. Last evaluated: 2018-10-19. Review status: criteria provided, single submitter. Criteria: GeneDx Variant Classification Process June 2021. Collection method: clinical testing. Allele origin: germline. Affected: yes.

Illumina Laboratory Services, Illumina
Classification: Uncertain significance for Autosomal recessive nonsyndromic hearing loss 35. Last evaluated: 2018-01-13. Review status: criteria provided, single submitter. Criteria: ICSL Variant Classification Criteria 13 December 2019. Collection method: clinical testing. Allele origin: germline.

Laboratory for Molecular Medicine, Mass General Brigham Personalized Medicine
Classification: Benign. Last evaluated: 2015-11-03. Review status: criteria provided, single submitter. Criteria: LMM Criteria. Collection method: clinical testing. Allele origin: germline. Observed: 5 variant alleles.
Comment: p.Glu234Glu in Exon 07 of ESRRB: This variant is not expected to have clinical s ignificance because it does not alter an amino acid residue, is not located with in the splice consensus sequence, and has been identified in 1.7% (148/8644) of East Asian chromosomes by the Exome Aggregation Consortium (ExAC; dbSNP rs79273904).

NM_001379180.1(ESRRB):c.765G>A (p.Glu255=)

Gene: ESRRB (estrogen related receptor beta; plus strand). Cytogenetic location: 14q24.3.
Variant type: single nucleotide variant.
Coding change: c.765G>A on transcript NM_001379180.1 (MANE Select); coding-DNA position 765, G replaced by A.
Protein change: p.Glu255=; no amino-acid change (glutamic acid 255 retained).
Molecular consequence: synonymous variant.
Genome position (GRCh38, 1-based): chr14:76,482,674, G>A. VCF-style: chr14-76482674-G-A. GRCh37 (hg19) VCF-style: chr14-76949017-G-A.
Other names: c.702G>A, p.Glu234= (NM_004452.4).
Identifiers: ClinVar variation 163420 (VCV000163420.17), dbSNP rs79273904, ClinGen allele CA176060.